The following is an entry in ClinVar:

ClinVar aggregate classification (germline): Uncertain significance. Review status: criteria provided, multiple submitters, no conflicts (2 of 4 stars). 4 submissions from 4 submitters: Uncertain significance (4). Last evaluated 2025-10-01.

Conditions:
Familial thoracic aortic aneurysm and aortic dissection (TAAD). Also called: Thoracic aortic aneurysms and dissections. Identifiers: Orphanet 91387, MedGen C4707243, MONDO:0019625.
Aortic aneurysm, familial thoracic 7 (AAT7). Also called: AORTIC DISSECTION, FAMILIAL, WITH OR WITHOUT AORTIC ANEURYSM. Identifiers: MedGen C3151077, MONDO:0013418, OMIM 613780.

Allele frequency attached by ClinVar (database versions not stated): gnomAD 0.00003; TOPMed 0.00003; ExAC 0.00002.
gnomAD v4.1: 59 of 1,613,762 alleles (0.0037%); highest among the groups gnomAD compares: Middle Eastern, 0.033%; no homozygotes.

Submissions (4):

Labcorp Genetics (formerly Invitae), Labcorp
Classification: Uncertain significance for Aortic aneurysm, familial thoracic 7. Last evaluated: 2025-10-01. Review status: criteria provided, single submitter. Criteria: Invitae Variant Classification Sherloc (09022015). Collection method: clinical testing. Allele origin: germline.
Comment: This sequence change replaces valine, which is neutral and non-polar, with isoleucine, which is neutral and non-polar, at codon 1155 of the MYLK protein (p.Val1155Ile). This variant is present in population databases (rs201251944, gnomAD 0.02%). This variant has not been reported in the literature in individuals affected with MYLK-related conditions. ClinVar contains an entry for this variant (Variation ID: 471722). Invitae Evidence Modeling of protein sequence and biophysical properties (such as structural, functional, and spatial information, amino acid conservation, physicochemical variation, residue mobility, and thermodynamic stability) indicates that this missense variant is not expected to disrupt MYLK protein function with a negative predictive value of 80%. In summary, the available evidence is currently insufficient to determine the role of this variant in disease. Therefore, it has been classified as a Variant of Uncertain Significance.

Centre of Medical Genetics, University of Antwerp
Classification: Uncertain significance for Familial thoracic aortic aneurysm and aortic dissection. Last evaluated: 2024-09-06. Review status: criteria provided, single submitter. Criteria: ACMG Guidelines, 2015. Collection method: clinical testing. Allele origin: germline. Affected: yes.

GeneDx
Classification: Uncertain significance. Last evaluated: 2024-09-04. Review status: criteria provided, single submitter. Criteria: GeneDx Variant Classification Process June 2021. Collection method: clinical testing. Allele origin: germline. Affected: yes.
Comment: Has not been previously published as pathogenic or benign to our knowledge; In silico analysis indicates that this missense variant does not alter protein structure/function

Ambry Genetics
Classification: Uncertain significance for Familial thoracic aortic aneurysm and aortic dissection. Last evaluated: 2022-11-04. Review status: criteria provided, single submitter. Criteria: Ambry Variant Classification Scheme 2023. Collection method: clinical testing. Allele origin: germline.
Comment: The p.V1155I variant (also known as c.3463G>A), located in coding exon 16 of the MYLK gene, results from a G to A substitution at nucleotide position 3463. The valine at codon 1155 is replaced by isoleucine, an amino acid with highly similar properties. This amino acid position is conserved. In addition, this alteration is predicted to be tolerated by in silico analysis. Since supporting evidence is limited at this time, the clinical significance of this alteration remains unclear.

NM_053025.4(MYLK):c.3463G>A (p.Val1155Ile)

Gene: MYLK (myosin light chain kinase; minus strand). Cytogenetic location: 3q21.1.
Variant type: single nucleotide variant.
Coding change: c.3463G>A on transcript NM_053025.4 (MANE Select); coding-DNA position 3463, G replaced by A.
Protein change: p.Val1155Ile; replaces valine 1155 with isoleucine.
Molecular consequence: missense variant.
Genome position (GRCh38, 1-based): chr3:123,692,837, C>T on the plus strand (G>A on the coding strand, the complement: MYLK is on the minus strand). VCF-style: chr3-123692837-C-T. GRCh37 (hg19) VCF-style: chr3-123411684-C-T.
Other names: c.2935G>A, p.Val979Ile (NM_001321309.2); c.3256G>A, p.Val1086Ile (NM_053026.4, NM_053028.4); c.3463G>A, p.Val1155Ile (NM_053027.4); short protein forms V1155I, V1086I, V979I.
Identifiers: ClinVar variation 471722 (VCV000471722.15), dbSNP rs201251944, ClinGen allele CA069714.